The following is an entry in ClinVar:

NM_017849.4(TMEM127):c.500C>A (p.Ser167Tyr)

Gene: TMEM127 (transmembrane protein 127; minus strand). Cytogenetic location: 2q11.2.
Variant type: single nucleotide variant.
Coding change: c.500C>A on transcript NM_017849.4 (MANE Select); coding-DNA position 500, C replaced by A.
Protein change: p.Ser167Tyr; replaces serine 167 with tyrosine.
Molecular consequence: missense variant.
Genome position (GRCh38, 1-based): chr2:96,254,025, G>T on the plus strand (C>A on the coding strand, the complement: TMEM127 is on the minus strand). VCF-style: chr2-96254025-G-T. GRCh37 (hg19) VCF-style: chr2-96919763-G-T.
Other names: c.500C>A, p.Ser167Tyr (NM_001193304.3); c.248C>A, p.Ser83Tyr (NM_001407282.1, NM_001407283.1); short protein forms S167Y, S83Y.
Identifiers: ClinVar variation 3326701 (VCV003326701.1).

ClinVar aggregate classification (germline): Uncertain significance (1 of 4 stars; one submission).

Conditions:
Hereditary cancer-predisposing syndrome. Also called: Neoplastic Syndromes, Hereditary; Tumor predisposition; Hereditary neoplastic syndrome; Hereditary Cancer Syndrome. Identifiers: Orphanet 140162, MedGen C0027672, MeSH D009386, MONDO:0015356.

Submission:

Ambry Genetics
Classification: Uncertain significance for Hereditary cancer-predisposing syndrome. Last evaluated: 2024-05-04. Review status: criteria provided, single submitter. Criteria: Ambry Variant Classification Scheme 2023. Collection method: clinical testing. Allele origin: germline.
Comment: The p.S167Y variant (also known as c.500C>A), located in coding exon 3 of the TMEM127 gene, results from a C to A substitution at nucleotide position 500. The serine at codon 167 is replaced by tyrosine, an amino acid with dissimilar properties. This amino acid position is conserved. In addition, this alteration is predicted to be deleterious by in silico analysis. Based on the available evidence, the clinical significance of this variant remains unclear.